The following is an entry in ClinVar:

NM_016123.4(IRAK4):c.547C>T (p.Arg183Ter)

Gene: IRAK4 (interleukin 1 receptor associated kinase 4; plus strand). Cytogenetic location: 12q12.
Variant type: single nucleotide variant.
Coding change: c.547C>T on transcript NM_016123.4 (MANE Select); coding-DNA position 547, C replaced by T.
Protein change: p.Arg183Ter; replaces arginine 183 with a stop codon.
Molecular consequence: nonsense. On other transcripts: synonymous variant (2).
Genome position (GRCh38, 1-based): chr12:43,772,968, C>T. VCF-style: chr12-43772968-C-T. GRCh37 (hg19) VCF-style: chr12-44166771-C-T.
Other names: c.547C>T, p.Arg183Ter (NM_001114182.3, NM_001351345.2); c.175C>T, p.Arg59Ter (NM_001145256.2, NM_001145257.2, NM_001145258.2 and 5 more transcripts); c.24C>T, p.Asn8= (NM_001351343.2, NM_001351344.2); short protein forms R183*, R59*.
Identifiers: ClinVar variation 567326 (VCV000567326.15), dbSNP rs114951157, ClinGen allele CA6522405.

ClinVar aggregate classification (germline): Pathogenic/Likely pathogenic. Review status: criteria provided, multiple submitters, no conflicts (2 of 4 stars). 4 submissions from 4 submitters: Pathogenic (3); Likely pathogenic (1). Last evaluated 2025-12-01.

Conditions:
Immunodeficiency 67. Also called: Immunodeficiency due to interleukin-1 receptor-associated kinase-4 deficiency. Identifiers: Orphanet 70592, MedGen C1843256, MONDO:0011888, OMIM 607676.

Allele frequency attached by ClinVar (database versions not stated): ExAC 0.00001; gnomAD exomes 0.00001 and 0.00002; gnomAD 0.00003 and 0.00008; ESP Exome Variant Server 0.00008; TOPMed 0.00009; 1000 Genomes Project 30x 0.00016.
gnomAD v4.1: 33 of 1,610,818 alleles (0.002%); highest among the groups gnomAD compares: African/African-American, 0.0053%; no homozygotes.

Submissions (4):

Labcorp Genetics (formerly Invitae), Labcorp
Classification: Pathogenic for Immunodeficiency 67. Last evaluated: 2025-12-01. Review status: criteria provided, single submitter. Criteria: Invitae Variant Classification Sherloc (09022015). Collection method: clinical testing. Allele origin: germline.
Comment: This sequence change creates a premature translational stop signal (p.Arg183*) in the IRAK4 gene. It is expected to result in an absent or disrupted protein product. Loss-of-function variants in IRAK4 are known to be pathogenic (PMID: 17893200, 21057262). This variant is present in population databases (rs114951157, gnomAD 0.005%). This premature translational stop signal has been observed in individual(s) with IRAK4 deficiency (PMID: 21057262). ClinVar contains an entry for this variant (Variation ID: 567326). Algorithms developed to predict the effect of sequence changes on RNA splicing suggest that this variant may disrupt the consensus splice site. For these reasons, this variant has been classified as Pathogenic.

3billion
Classification: Pathogenic for Immunodeficiency 67. Last evaluated: 2025-04-09. Review status: criteria provided, single submitter. Criteria: ACMG Guidelines, 2015. Collection method: clinical testing. Allele origin: germline. Affected: yes.
Comment: The variant is observed at an extremely low frequency in the gnomAD v4.1.0 dataset (total allele frequency: 0.002%). Predicted Consequence/Location: Stop-gained (nonsense): predicted to result in a loss or disruption of normal protein function through nonsense-mediated decay (NMD) or protein truncation. Multiple pathogenic variants are reported downstream of the variant. The variant has been reported at least twice as pathogenic with clinical assertions and evidence for the classification (ClinVar ID: VCV000567326 / PMID: 21057262).Therefore, this variant is classified as Pathogenic according to the recommendation of ACMG/AMP guideline.

Juno Genomics, Hangzhou Juno Genomics, Inc
Classification: Pathogenic for Immunodeficiency 67. Review status: criteria provided, single submitter. Criteria: ACMG Guidelines, 2015. Collection method: clinical testing. Allele origin: germline. Affected: yes.
Comment: Absent from controls (or at extremely low frequency if recessive) in Genome Aggregation Database, Exome Sequencing Project, 1000 Genomes Project, or Exome Aggregation Consortium.;Null variant in a gene where loss of function (LOF) is a known mechanism of disease.;For recessive disorders, detected in trans with a pathogenic variant.

Neuberg Centre For Genomic Medicine, NCGM
Classification: Likely pathogenic for Immunodeficiency 67. Review status: criteria provided, single submitter. Criteria: ACMG Guidelines, 2015. Collection method: clinical testing. Allele origin: germline. Inheritance: Autosomal recessive inheritance. Affected: yes.
Comment: The stop gain c.547C>T (p.Arg183Ter) variant in IRAK4 gene has been reported previously in individuals affected with IRAK4 deficiency (Picard et al. 2010; Yamamoto et al. 2014). This variant is reported with an allele frequency of 0.002% in the gnomAD exomes database. This variant has been reported to the ClinVar database as Pathogenic, but no details for independent assessment. The nucleotide change c.547C>T in IRAK4 is predicted as conserved by GERP++ and PhyloP across 100 vertebrates. This variant is predicted to cause loss of normal protein function through protein truncation, leading to a smaller protein than the wild-type (Yamamoto et al. 2014). Loss of function variants in IRAK4 gene have been previously reported to be disease causing. Additional functional studies are required to prove the pathogenicity of this variant, for these reasons, this variant has been classified as Likely Pathogenic.

Literature cited by the submitters: PubMed 17893200 (cited by Labcorp Genetics (formerly Invitae), Labcorp); PubMed 21057262 (cited by Labcorp Genetics (formerly Invitae), Labcorp and 3billion).